The following is an entry in ClinVar:

ClinVar aggregate classification (germline): Uncertain significance (1 of 4 stars; one submission).

Conditions:
Epidermolysis bullosa simplex 5C, with pyloric atresia (EBS5C). Also called: PLEC1-Related Epidermolysis Bullosa with Pyloric Atresia; Epidermolysis bullosa simplex with pyloric atresia; PLEC-Related Epidermolysis Bullosa with Pyloric Atresia. Identifiers: Orphanet 158684, MedGen C2677349, MONDO:0012807, OMIM 612138.
Autosomal recessive limb-girdle muscular dystrophy type 2Q (LGMDR17). Also called: MUSCULAR DYSTROPHY, LIMB-GIRDLE, AUTOSOMAL RECESSIVE 17. Identifiers: Orphanet 254361, MedGen C3150989, MONDO:0013390, OMIM 613723.
Epidermolysis bullosa simplex with nail dystrophy (EBS5D). Identifiers: MedGen C4225309, MONDO:0014661, OMIM 616487.
Epidermolysis bullosa simplex 5B, with muscular dystrophy (EBS5B). Also called: Epidermolysis bullosa simplex with muscular dystrophy; EPIDERMOLYSIS BULLOSA SIMPLEX AND LIMB-GIRDLE MUSCULAR DYSTROPHY. Identifiers: Orphanet 257, MedGen C2931072, MONDO:0009181, OMIM 226670.
Epidermolysis bullosa simplex, Ogna type (EBS5A). Also called: EPIDERMOLYSIS BULLOSA SIMPLEX 5A, OGNA TYPE; Pidermolysis bullosa simplex 5A, Ogna type. Identifiers: Orphanet 79401, MedGen C0432317, MONDO:0007555, OMIM 131950.

Allele frequency attached by ClinVar (database versions not stated): gnomAD 0.00001; ExAC 0.00002.
gnomAD v4.1: 12 of 1,612,410 alleles (0.00074%); highest among the groups gnomAD compares: Middle Eastern, 0.016%; no homozygotes.

Submission:

Labcorp Genetics (formerly Invitae), Labcorp
Classification: Uncertain significance for Autosomal recessive limb-girdle muscular dystrophy type 2Q; Epidermolysis bullosa simplex, Ogna type; Epidermolysis bullosa simplex with nail dystrophy; Epidermolysis bullosa simplex 5C, with pyloric atresia; Epidermolysis bullosa simplex 5B, with muscular dystrophy. Last evaluated: 2025-10-02. Review status: criteria provided, single submitter. Criteria: Invitae Variant Classification Sherloc (09022015). Collection method: clinical testing. Allele origin: germline.
Comment: This sequence change replaces arginine, which is basic and polar, with cysteine, which is neutral and slightly polar, at codon 638 of the PLEC protein (p.Arg638Cys). This variant is present in population databases (rs782101660, gnomAD 0.002%). This variant has not been reported in the literature in individuals affected with PLEC-related conditions. ClinVar contains an entry for this variant (Variation ID: 846711). Invitae Evidence Modeling of protein sequence and biophysical properties (such as structural, functional, and spatial information, amino acid conservation, physicochemical variation, residue mobility, and thermodynamic stability) indicates that this missense variant is not expected to disrupt PLEC protein function with a negative predictive value of 80%. In summary, the available evidence is currently insufficient to determine the role of this variant in disease. Therefore, it has been classified as a Variant of Uncertain Significance.

NM_201384.3(PLEC):c.1831C>T (p.Arg611Cys)

Gene: PLEC (plectin; minus strand). Cytogenetic location: 8q24.3.
Variant type: single nucleotide variant.
Coding change: c.1831C>T on transcript NM_201384.3 (MANE Select); coding-DNA position 1831, C replaced by T.
Protein change: p.Arg611Cys; replaces arginine 611 with cysteine.
Molecular consequence: missense variant.
Genome position (GRCh38, 1-based): chr8:143,932,546, G>A on the plus strand (C>T on the coding strand, the complement: PLEC is on the minus strand). VCF-style: chr8-143932546-G-A. GRCh37 (hg19) VCF-style: chr8-145006714-G-A.
Other names: c.1912C>T, p.Arg638Cys (NM_000445.5); c.1789C>T, p.Arg597Cys (NM_201378.4); c.1765C>T, p.Arg589Cys (NM_201379.3); c.2242C>T, p.Arg748Cys (NM_201380.4); c.1735C>T, p.Arg579Cys (NM_201381.3); c.1831C>T, p.Arg611Cys (NM_201382.4); c.1843C>T, p.Arg615Cys (NM_201383.3); short protein forms R579C, R638C, R597C, R611C, R615C, R589C, R748C.
Identifiers: ClinVar variation 846711 (VCV000846711.7), dbSNP rs782101660, ClinGen allele CA4927821.